The following is an entry in ClinVar:

NM_000132.4(F8):c.437_438del (p.Lys146fs)

Gene: F8 (coagulation factor VIII; minus strand). Cytogenetic location: Xq28.
Variant type: Deletion.
Coding change: c.437_438del on transcript NM_000132.4 (MANE Select); coding-DNA positions 437 to 438, 2 bases deleted (AA; older notation c.437_438delAA).
Protein change: p.Lys146fs; shifts the reading frame from lysine 146.
Molecular consequence: frameshift variant.
Genome position (GRCh38, 1-based): chrX:154,993,099-154,993,100, TT deleted on the plus strand (AA on the coding strand, the reverse complement: F8 is on the minus strand); deleting any 2 consecutive bases within chrX:154,993,099-154,993,101 gives the same sequence; the c. name uses the placement nearest the transcript's 3' end. VCF-style (leftmost placement, unchanged base first): chrX-154993098-CTT-C. GRCh37 (hg19) VCF-style: chrX-154221373-CTT-C.
Other names: short protein forms K146fs.
Identifiers: ClinVar variation 1330799 (VCV001330799.7), dbSNP rs2124141140, ClinGen allele CA2573055196.

ClinVar aggregate classification (germline): Pathogenic (1 of 4 stars; one submission).

Conditions:
Hereditary factor VIII deficiency disease (HEMA). Also called: HEMOPHILIA, CLASSIC; AUTOSOMAL HEMOPHILIA A; Hemophilia A; Hemophilia A, congenital; HEM A; Factor 8 deficiency, congenital. Identifiers: Orphanet 98878, MedGen C0019069, MONDO:0010602, OMIM 306700.

Submission:

ARUP Laboratories, Molecular Genetics and Genomics, ARUP Laboratories
Classification: Pathogenic for Hereditary factor VIII deficiency disease. Last evaluated: 2021-01-04. Review status: criteria provided, single submitter. Criteria: ARUP Molecular Germline Variant Investigation Process 2021. Collection method: clinical testing. Allele origin: germline.
Comment: The F8 c.437_438delAA; p.Lys146SerfsTer23 variant, to our knowledge, is not reported in the medical literature or gene specific databases. This variant is also absent from general population databases (Exome Variant Server, Genome Aggregation Database), indicating it is not a common polymorphism. This variant causes a frameshift by deleting 2 nucleotides, so it is predicted to result in a truncated protein or mRNA subject to nonsense-mediated decay. Additionally, several downstream frameshift variants have been reported in individuals affected with severe hemophilia A (Chen 2010, Santacroce 2008). Based on available information, this variant is considered pathogenic. References: Chen Y et al. Genetic analysis of haemophilia A in Taiwan. Haemophilia. 2010 May;16(3):538-44. Santacroce R et al. Identification of 217 unreported mutations in the F8 gene in a group of 1,410 unselected Italian patients with hemophilia A. J Hum Genet. 2008;53(3):275-84.